The following is an entry in ClinVar:

ClinVar aggregate classification (germline): Uncertain significance. Review status: criteria provided, multiple submitters, no conflicts (2 of 4 stars). 4 submissions from 4 submitters: Uncertain significance (4). Last evaluated 2025-12-20.

Conditions:
Hereditary cancer-predisposing syndrome. Also called: Tumor predisposition; Neoplastic Syndromes, Hereditary; Hereditary Cancer Syndrome; Hereditary neoplastic syndrome. Identifiers: Orphanet 140162, MedGen C0027672, MeSH D009386, MONDO:0015356.
Hereditary breast ovarian cancer syndrome. Also called: Hereditary breast and ovarian cancer; Hereditary breast and ovarian cancer syndrome (HBOC); Hereditary breast and/or ovarian cancer syndrome; Hereditary breast and ovarian cancer syndrome; Breast and ovarian cancer; BRCA1- and BRCA2-Associated Hereditary Breast and Ovarian Cancer. Identifiers: Orphanet 145, MedGen C0677776, MeSH D061325, MONDO:0003582. Disease mechanism: loss of function.
Breast-ovarian cancer, familial, susceptibility to, 2 (BROVCA2). Also called: BRCA2 Hereditary Breast and Ovarian Cancer. Identifiers: Orphanet 145, MedGen C2675520, MONDO:0012933, OMIM 612555. Disease mechanism: loss of function.

Submissions (4):

Labcorp Genetics (formerly Invitae), Labcorp
Classification: Uncertain significance for Hereditary breast ovarian cancer syndrome. Last evaluated: 2025-12-20. Review status: criteria provided, single submitter. Criteria: Invitae Variant Classification Sherloc (09022015). Collection method: clinical testing. Allele origin: germline.
Comment: This sequence change replaces threonine, which is neutral and polar, with alanine, which is neutral and non-polar, at codon 176 of the BRCA2 protein (p.Thr176Ala). This variant is not present in population databases (gnomAD no frequency). This variant has not been reported in the literature in individuals affected with BRCA2-related conditions. ClinVar contains an entry for this variant (Variation ID: 628527). Invitae Evidence Modeling of protein sequence and biophysical properties (such as structural, functional, and spatial information, amino acid conservation, physicochemical variation, residue mobility, and thermodynamic stability) indicates that this missense variant is not expected to disrupt BRCA2 protein function with a negative predictive value of 95%. In summary, the available evidence is currently insufficient to determine the role of this variant in disease. Therefore, it has been classified as a Variant of Uncertain Significance.

Ambry Genetics
Classification: Uncertain significance for Hereditary cancer-predisposing syndrome. Last evaluated: 2025-11-29. Review status: criteria provided, single submitter. Criteria: Ambry Variant Classification Scheme 2023. Collection method: clinical testing. Allele origin: germline.
Comment: The p.T176A variant (also known as c.526A>G), located in coding exon 6 of the BRCA2 gene, results from an A to G substitution at nucleotide position 526. The threonine at codon 176 is replaced by alanine, an amino acid with similar properties. This amino acid position is highly conserved in available vertebrate species. In addition, this alteration is predicted to be tolerated by in silico analysis. Since supporting evidence is limited at this time, the clinical significance of this alteration remains unclear.

All of Us Research Program, National Institutes of Health
Classification: Uncertain significance for Breast-ovarian cancer, familial, susceptibility to, 2. Last evaluated: 2023-05-08. Review status: criteria provided, single submitter. Criteria: ACMG Guidelines, 2015. Collection method: clinical testing. Allele origin: germline. Inheritance: Autosomal dominant inheritance. Observed: 1 variant allele, 1 heterozygote.
Comment: This study involves interpretation of variants in research participants for the purpose of population health screening. Participant phenotype was not available at the time of variant classification. Additional details can be found in publication PMID: 35346344, PMCID: PMC8962531

Color Diagnostics, LLC DBA Color Health
Classification: Uncertain significance for Hereditary cancer-predisposing syndrome. Last evaluated: 2019-06-11. Review status: criteria provided, single submitter. Criteria: ACMG Guidelines, 2015. Collection method: clinical testing. Allele origin: germline.

NM_000059.4(BRCA2):c.526A>G (p.Thr176Ala)

Gene: BRCA2 (BRCA2 DNA repair associated; plus strand). Cytogenetic location: 13q13.1.
Variant type: single nucleotide variant.
Coding change: c.526A>G on transcript NM_000059.4 (MANE Select); coding-DNA position 526, A replaced by G.
Protein change: p.Thr176Ala; replaces threonine 176 with alanine.
Molecular consequence: missense variant.
Genome position (GRCh38, 1-based): chr13:32,326,508, A>G. VCF-style: chr13-32326508-A-G. GRCh37 (hg19) VCF-style: chr13-32900645-A-G.
Other names: short protein forms T176A.
Identifiers: ClinVar variation 628527 (VCV000628527.16), dbSNP rs1214427273, ClinGen allele CA387757801.
Genomic context (GRCh38, chr13:32,326,508, plus strand): 5'-TTAATGATCAGGGCATTTCTATAAAAAATAAACTATTTTCTTTCCTCCCAGGGTCGTCAG[A>G]CACCAAAACATATTTCTGAAAGTCTAGGAGCTGAGGTGGATCCTGATATGTCTTGGTCAA-3'
Protein context (NP_000050.3, residues 166-186): HTPKFVKGRQ[Thr176Ala]PKHISESLGA